The following is an entry in ClinVar:

NM_001386298.1(CIC):c.5903-2A>G

Gene: CIC (capicua transcriptional repressor; plus strand). Cytogenetic location: 19q13.2.
Variant type: single nucleotide variant.
Coding change: c.5903-2A>G on transcript NM_001386298.1 (MANE Select); the canonical splice acceptor site of the intron before coding-DNA position 5903, A replaced by G.
Molecular consequence: splice acceptor variant.
Genome position (GRCh38, 1-based): chr19:42,292,564, A>G. VCF-style: chr19-42292564-A-G. GRCh37 (hg19) VCF-style: chr19-42796716-A-G.
Other names: c.5903-2A>G (NM_001304815.2, NM_001379482.1, NM_001379480.1); c.3176-2A>G (NM_015125.5, NM_001379484.1, NM_001379485.1).
Identifiers: ClinVar variation 2633551 (VCV002633551.2), dbSNP rs1599927721, ClinGen allele CA406115329.

ClinVar aggregate classification (germline): Likely pathogenic. Review status: criteria provided, multiple submitters, no conflicts (2 of 4 stars). 2 submissions from 2 submitters: Likely pathogenic (2). Last evaluated 2025-05-23.

Conditions:
Intellectual developmental disorder, autosomal dominant 45. Also called: MENTAL RETARDATION, AUTOSOMAL DOMINANT 45; Intellectual disability, autosomal dominant 45. Identifiers: MedGen C4539848, MONDO:0030910, OMIM 617600.
CIC-related disorder. Also called: CIC-related condition.

Allele frequency attached by ClinVar (database versions not stated): TOPMed below 0.00001.

Submissions (2):

OLLIN Analises Genomicas, OLLIN
Classification: Likely pathogenic for Intellectual developmental disorder, autosomal dominant 45. Last evaluated: 2025-05-23. Review status: criteria provided, single submitter. Criteria: ACMG Guidelines 2015 PMID 25741868. Collection method: clinical testing. Allele origin: germline. Affected: yes. Observed: 1 variant allele.
Comment: The variant located at the canonical splicing site (splice acceptor) (chr19:42292564A>G), situated in intron 14 (of 21 exons), is not reported in the gnomAD v4.1 non-UKB databases and was not found in the scientific literature. However, it is reported in the ClinVar database (VCV002633551.1). This variant is predicted to disrupt the canonical splice site, resulting in a truncated protein, or mRNA degradation via NMD or exon skipping. According to currently available evidence, this variant has been classified as likely pathogenic (PVS1, PM2_P).

PreventionGenetics, part of Exact Sciences
Classification: Likely pathogenic for CIC-related condition. Last evaluated: 2023-03-20. Review status: criteria provided, single submitter. Criteria: ACMG Guidelines, 2015. Collection method: clinical testing. Allele origin: germline.
Comment: The CIC c.3176-2A>G variant is predicted to disrupt the AG splice acceptor site and interfere with normal splicing. To our knowledge, this variant has not been reported in the literature or in a large population database, indicating this variant is rare. Variants that disrupt the consensus splice acceptor site in CIC are expected to be pathogenic. This variant is interpreted as likely pathogenic.